The following is an entry in ClinVar:

ClinVar aggregate classification (germline): Conflicting classifications of pathogenicity. Review status: criteria provided, conflicting classifications (1 of 4 stars). 2 submissions from 2 submitters: Uncertain significance (1); Likely benign (1). Last evaluated 2025-12-08.

Conditions:
ENG-related disorder. Also called: ENG-related condition; ENG-related disorders.
Telangiectasia, hereditary hemorrhagic, type 1 (HHT1). Also called: Osler Weber Rendu syndrome type 1; ENG-Related Hereditary Hemorrhagic Telangiectasia. Identifiers: Orphanet 774, MedGen C4551861, MONDO:0008535, OMIM 187300. Disease mechanism: loss of function.

Allele frequency attached by ClinVar (database versions not stated): 1000 Genomes Project 30x 0.00031; 1000 Genomes Project 0.00040; TOPMed 0.00071; ESP Exome Variant Server 0.00078; gnomAD 0.00081 and 0.00083.
gnomAD v4.1: 370 of 1,569,054 alleles (0.024%); highest among the groups gnomAD compares: African/African-American, 0.19%; no homozygotes.

Submissions (2):

PreventionGenetics, part of Exact Sciences
Classification: Likely benign for ENG-related condition. Last evaluated: 2025-12-08. Review status: criteria provided, single submitter. Criteria: ACMG Guidelines, 2015. Collection method: clinical testing. Allele origin: germline.
Comment: This variant is classified as likely benign based on ACMG/AMP sequence variant interpretation guidelines (Richards et al. 2015 PMID: 25741868, with internal and published modifications).

Illumina Laboratory Services, Illumina
Classification: Uncertain significance for Telangiectasia, hereditary hemorrhagic, type 1. Last evaluated: 2018-01-12. Review status: criteria provided, single submitter. Criteria: ICSL Variant Classification Criteria 13 December 2019. Collection method: clinical testing. Allele origin: germline.

NM_001114753.3(ENG):c.1852+52G>C

Gene: ENG (endoglin; minus strand). Cytogenetic location: 9q34.11.
Variant type: single nucleotide variant.
Coding change: c.1852+52G>C on transcript NM_001114753.3 (MANE Select); 52 bases into the intron after coding-DNA position 1852, G replaced by C.
Molecular consequence: intron variant.
Genome position (GRCh38, 1-based): chr9:127,815,891, C>G on the plus strand (G>C on the coding strand, the complement: ENG is on the minus strand). VCF-style: chr9-127815891-C-G. GRCh37 (hg19) VCF-style: chr9-130578170-C-G.
Other names: c.*26G>C (NM_000118.4); c.1306+52G>C (NM_001278138.2); c.1852+52G>C (NM_001114753.2).
Identifiers: ClinVar variation 365084 (VCV000365084.8), dbSNP rs371104611, ClinGen allele CA5252605.
Genomic context (GRCh38, chr9:127,815,891, plus strand): 5'-GCGGAGGTCAGGGTCCTGGCCAGGGCCCCTCAATCCCTCAGAGGCTTCACTGGGCTCCCC[C>G]GGGTGGATGGAGGGGCCCGGCATGCTCACTGTGGGGGCCTGGGGTACTCACGCGTGTGCG-3'